The following is an entry in ClinVar:

ClinVar aggregate classification (germline): Likely benign. Review status: criteria provided, multiple submitters, no conflicts (2 of 4 stars). 2 submissions from 2 submitters: Likely benign (2). Last evaluated 2026-09-01.

gnomAD v4.1: 61 of 1,596,008 alleles (0.0038%); highest among the groups gnomAD compares: South Asian, 0.045%; no homozygotes.

Submissions (2):

CeGaT Center for Human Genetics Tuebingen
Classification: Likely benign. Last evaluated: 2026-09-01. Review status: criteria provided, single submitter. Criteria: CeGaT Center For Human Genetics Tuebingen Variant Classification Criteria Version 2. Collection method: clinical testing. Allele origin: germline. Affected: yes. Observed: 1 variant allele.
Comment: PUF60: BP4, BP7

Blueprint Genetics
Classification: Likely benign. Last evaluated: 2021-08-19. Review status: criteria provided, single submitter. Criteria: ACMG Guidelines, 2015. Collection method: clinical testing. Allele origin: germline.

NM_078480.3(PUF60):c.1338C>T (p.Ser446=)

Gene: PUF60 (poly(U) binding splicing factor 60; minus strand). Cytogenetic location: 8q24.3.
Variant type: single nucleotide variant.
Coding change: c.1338C>T on transcript NM_078480.3 (MANE Select); coding-DNA position 1338, C replaced by T.
Protein change: p.Ser446=; no amino-acid change (serine 446 retained).
Molecular consequence: synonymous variant.
Genome position (GRCh38, 1-based): chr8:143,816,952, G>A on the plus strand (C>T on the coding strand, the complement: PUF60 is on the minus strand). VCF-style: chr8-143816952-G-A. GRCh37 (hg19) VCF-style: chr8-144899122-G-A.
Other names: c.1209C>T, p.Ser403= (NM_001136033.3); c.1284C>T, p.Ser428= (NM_001271096.2); c.1200C>T, p.Ser400= (NM_001271097.2); c.1335C>T, p.Ser445= (NM_001271098.2); c.1251C>T, p.Ser417= (NM_001271099.2); c.1158C>T, p.Ser386= (NM_001271100.2); c.1449C>T, p.Ser483= (NM_001362895.2, NM_001362896.2); c.1398C>T, p.Ser466= (NM_001362897.2); and 1 more.
Identifiers: ClinVar variation 4901871 (VCV004901871.2).